The following is an entry in ClinVar:

NM_001243133.2(NLRP3):c.268C>A (p.Pro90Thr)

Gene: NLRP3 (NLR family pyrin domain containing 3; plus strand). Cytogenetic location: 1q44.
Variant type: single nucleotide variant.
Coding change: c.268C>A on transcript NM_001243133.2 (MANE Select); coding-DNA position 268, C replaced by A.
Protein change: p.Pro90Thr; replaces proline 90 with threonine.
Molecular consequence: missense variant.
Genome position (GRCh38, 1-based): chr1:247,419,068, C>A. VCF-style: chr1-247419068-C-A. GRCh37 (hg19) VCF-style: chr1-247582370-C-A.
Other names: c.268C>A, p.Pro90Thr (NM_001079821.3, NM_001127461.3, NM_001127462.3 and 1 more transcripts); c.274C>A, p.Pro92Thr (NM_004895.5); short protein forms P90T, P92T.
Identifiers: ClinVar variation 3768418 (VCV003768418.1).

ClinVar aggregate classification (germline): Uncertain significance (1 of 4 stars; one submission).

gnomAD v4.1: 2 of 1,610,306 alleles (0.00012%); highest among the groups gnomAD compares: African/African-American, 0.0013%; no homozygotes.

Submission:

Women's Health and Genetics/Laboratory Corporation of America, LabCorp
Classification: Uncertain significance. Last evaluated: 2024-12-26. Review status: criteria provided, single submitter. Criteria: LabCorp Variant Classification Summary - May 2015. Collection method: clinical testing. Allele origin: germline.
Comment: Variant summary: NLRP3 c.274C>A (p.Pro92Thr) results in a non-conservative amino acid change located in the DAPIN domain (IPR004020) of the encoded protein sequence. Three of four in-silico tools predict a benign effect of the variant on protein function. The frequency data for this variant in gnomAD is considered unreliable, as metrics indicate poor data quality at this position. To our knowledge, no occurrence of c.274C>A in individuals affected with Cryopyrin Associated Periodic Syndrome and no experimental evidence demonstrating its impact on protein function have been reported. No submitters have cited clinical-significance assessments for this variant to ClinVar. Based on the evidence outlined above, the variant was classified as uncertain significance.